The following is an entry in ClinVar:

NM_000038.6(APC):c.3229G>T (p.Val1077Phe)

Gene: APC (APC regulator of Wnt signaling pathway; plus strand). Cytogenetic location: 5q22.2.
Variant type: single nucleotide variant.
Coding change: c.3229G>T on transcript NM_000038.6 (MANE Select); coding-DNA position 3229, G replaced by T.
Protein change: p.Val1077Phe; replaces valine 1077 with phenylalanine.
Molecular consequence: missense variant.
Genome position (GRCh38, 1-based): chr5:112,838,823, G>T. VCF-style: chr5-112838823-G-T. GRCh37 (hg19) VCF-style: chr5-112174520-G-T.
Other names: c.2926G>T, p.Val976Phe (NM_001407458.1, NM_001407459.1, NM_001407460.1 and 1 more transcripts); c.2842G>T, p.Val948Phe (NM_001407467.1, NM_001407469.1); c.3229G>T, p.Val1077Phe (NM_001127510.3, NM_001354895.2, NM_001407450.1); c.3175G>T, p.Val1059Phe (NM_001127511.3); c.3283G>T, p.Val1095Phe (NM_001354896.2, NM_001407447.1, NM_001407448.1 and 1 more transcripts); c.3259G>T, p.Val1087Phe (NM_001354897.2); c.3154G>T, p.Val1052Phe (NM_001354898.2); c.3145G>T, p.Val1049Phe (NM_001354899.2); and 11 more; short protein forms V1018F, V1036F, V1049F, V1052F, V1059F, V1067F, V1070F, V1077F.
Identifiers: ClinVar variation 1717775 (VCV001717775.6), dbSNP rs1332655563, ClinGen allele CA16028417.
Genomic context (GRCh38, chr5:112,838,823, plus strand): 5'-GAAGATGAAATAAAACAAAGTGAGCAAAGACAATCAAGGAATCAAAGTACAACTTATCCT[G>T]TTTATACTGAGAGCACTGATGATAAACACCTCAAGTTCCAACCACATTTTGGACAGCAGG-3'
Protein context (NP_000029.2, residues 1067-1087): QSRNQSTTYP[Val1077Phe]YTESTDDKHL

ClinVar aggregate classification (germline): Uncertain significance (1 of 4 stars; one submission).

Conditions:
Familial adenomatous polyposis 1 (FAP1). Also called: FAMILIAL ADENOMATOUS POLYPOSIS 1, ATTENUATED; POLYPOSIS, ADENOMATOUS INTESTINAL. Identifiers: MedGen C2713442, MONDO:0021056, OMIM 175100. Disease mechanism: loss of function.

gnomAD v4.1: 1 of 1,614,166 alleles (0.000062%); highest among the groups gnomAD compares: Non-Finnish European, 0.000085%; no homozygotes.

Submission:

Labcorp Genetics (formerly Invitae), Labcorp
Classification: Uncertain significance for Familial adenomatous polyposis 1. Last evaluated: 2022-08-22. Review status: criteria provided, single submitter. Criteria: Invitae Variant Classification Sherloc (09022015). Collection method: clinical testing. Allele origin: germline.
Comment: This variant is not present in population databases (gnomAD no frequency). This sequence change replaces valine, which is neutral and non-polar, with phenylalanine, which is neutral and non-polar, at codon 1077 of the APC protein (p.Val1077Phe). This variant has not been reported in the literature in individuals affected with APC-related conditions. Algorithms developed to predict the effect of missense changes on protein structure and function (SIFT, PolyPhen-2, Align-GVGD) all suggest that this variant is likely to be tolerated. In summary, the available evidence is currently insufficient to determine the role of this variant in disease. Therefore, it has been classified as a Variant of Uncertain Significance.